The following is an entry in ClinVar:

ClinVar aggregate classification (germline): Uncertain significance (1 of 4 stars; one submission).

Conditions:
Bartter disease type 3. Also called: Bartter syndrome type 3. Identifiers: Orphanet 112, Orphanet 93605, MedGen C1846343, MONDO:0011822, OMIM 607364.
Autosomal dominant hypocalcemia 1 (HYPOC1). Also called: HYPOCALCEMIA, FAMILIAL. Identifiers: MedGen C3715128, MONDO:0011013, OMIM 601198.
Neonatal severe primary hyperparathyroidism. Identifiers: Orphanet 417, MedGen C1832615, MONDO:0009397, OMIM 239200.
Familial hypoparathyroidism. Also called: Familial isolated hypoparathyroidism. Identifiers: Orphanet 2238, MedGen C1832648, MONDO:0016390.
Familial hypocalciuric hypercalcemia 1. Also called: Hypercalcemia, familial benign type 1. Identifiers: Orphanet 405, Orphanet 93372, MedGen C0342637, MONDO:0007791, OMIM 145980.
Familial hypocalciuric hypercalcemia (FHH). Also called: Familial benign hypercalcemia. Identifiers: Orphanet 405, MedGen C1809471, MONDO:0018458.

Submission:

Labcorp Genetics (formerly Invitae), Labcorp
Classification: Uncertain significance for Familial hypocalciuric hypercalcemia; Autosomal dominant hypocalcemia 1. Last evaluated: 2018-12-03. Review status: criteria provided, single submitter. Criteria: Invitae Variant Classification Sherloc (09022015). Collection method: clinical testing. Allele origin: germline.
Comment: Algorithms developed to predict the effect of missense changes on protein structure and function are either unavailable or do not agree on the potential impact of this missense change (SIFT: "Deleterious"; PolyPhen-2: "Possibly Damaging"; Align-GVGD: "Class C0"). In summary, the available evidence is currently insufficient to determine the role of this variant in disease. Therefore, it has been classified as a Variant of Uncertain Significance. This variant has not been reported in the literature in individuals with CASR-related conditions. This variant is not present in population databases (ExAC no frequency). This sequence change replaces serine with tyrosine at codon 997 of the CASR protein (p.Ser997Tyr). The serine residue is highly conserved and there is a large physicochemical difference between serine and tyrosine.

NM_000388.4(CASR):c.2990C>A (p.Ser997Tyr)

Gene: CASR (calcium sensing receptor; plus strand). Cytogenetic location: 3q21.1.
Variant type: single nucleotide variant.
Coding change: c.2990C>A on transcript NM_000388.4 (MANE Select); coding-DNA position 2990, C replaced by A.
Protein change: p.Ser997Tyr; replaces serine 997 with tyrosine.
Molecular consequence: missense variant.
Genome position (GRCh38, 1-based): chr3:122,284,944, C>A. VCF-style: chr3-122284944-C-A. GRCh37 (hg19) VCF-style: chr3-122003791-C-A.
Other names: c.3020C>A, p.Ser1007Tyr (NM_001178065.2); short protein forms S997Y, S1007Y.
Identifiers: ClinVar variation 640675 (VCV000640675.11), dbSNP rs1244383237, ClinGen allele CA354161216.